The following is an entry in ClinVar:

NM_006642.5(SDCCAG8):c.1463T>A (p.Ile488Asn)

Gene: SDCCAG8 (SHH signaling and ciliogenesis regulator SDCCAG8; plus strand). Cytogenetic location: 1q43.
Variant type: single nucleotide variant.
Coding change: c.1463T>A on transcript NM_006642.5 (MANE Select); coding-DNA position 1463, T replaced by A.
Protein change: p.Ile488Asn; replaces isoleucine 488 with asparagine.
Molecular consequence: missense variant.
Genome position (GRCh38, 1-based): chr1:243,344,321, T>A. VCF-style: chr1-243344321-T-A. GRCh37 (hg19) VCF-style: chr1-243507623-T-A.
Other names: c.560T>A, p.Ile187Asn (NM_001350246.2, NM_001350247.2, NM_001350251.2); c.1559T>A, p.Ile520Asn (NM_001350248.2); c.1169T>A, p.Ile390Asn (NM_001350249.2); short protein forms I488N, I520N, I187N, I390N.
Identifiers: ClinVar variation 4989155 (VCV004989155.1).

ClinVar aggregate classification (germline): Uncertain significance (1 of 4 stars; one submission).

Conditions:
SDCCAG8-related disorder. Also called: SDCCAG8-Related Disorders; SDCCAG8-related condition.

gnomAD v4.1: 3 of 1,609,510 alleles (0.00019%); highest among the groups gnomAD compares: African/African-American, 0.004%; no homozygotes.

Submission:

PreventionGenetics, part of Exact Sciences
Classification: Uncertain significance for SDCCAG8-related condition. Last evaluated: 2026-05-05. Review status: criteria provided, single submitter. Criteria: ACMG Guidelines, 2015. Collection method: clinical testing. Allele origin: germline.
Comment: The SDCCAG8 c.1463T>A variant is predicted to result in the amino acid substitution p.Ile488Asn. To our knowledge, this variant has not been reported in the literature or in gnomAD, indicating this variant is rare. At this time, the clinical significance of this variant is uncertain due to the absence of conclusive functional and genetic evidence.